The following is an entry in ClinVar:

NM_001035.3(RYR2):c.2890A>T (p.Met964Leu)

Gene: RYR2 (ryanodine receptor 2; plus strand). Cytogenetic location: 1q43.
Variant type: single nucleotide variant.
Coding change: c.2890A>T on transcript NM_001035.3 (MANE Select); coding-DNA position 2890, A replaced by T.
Protein change: p.Met964Leu; replaces methionine 964 with leucine.
Molecular consequence: missense variant.
Genome position (GRCh38, 1-based): chr1:237,530,494, A>T. VCF-style: chr1-237530494-A-T. GRCh37 (hg19) VCF-style: chr1-237693794-A-T.
Other names: short protein forms M964L.
Identifiers: ClinVar variation 3070309 (VCV003070309.1), dbSNP rs1362839960, ClinGen allele CA345388188.
Genomic context (GRCh38, chr1:237,530,494, plus strand): 5'-TTGGCATTAGGATGTCATGTGGGTATATCAGATGAACATGCTGAAGACAAGGTGAAAAAA[A>T]TGAAGCTACCCAAGAAGTAAGTTGAATGACTAAGCAATATTAAATAATCTGTGTAGAGAT-3'
Protein context (NP_001026.2, residues 954-974): DEHAEDKVKK[Met964Leu]KLPKNYQLTS

ClinVar aggregate classification (germline): Uncertain significance (1 of 4 stars; one submission).

Conditions:
Catecholaminergic polymorphic ventricular tachycardia (CVPT). Also called: Catecholamine-induced polymorphic ventricular tachycardia. Identifiers: Orphanet 3286, MedGen C5574922, MONDO:0017990.

Submission:

All of Us Research Program, National Institutes of Health
Classification: Uncertain significance for Catecholaminergic polymorphic ventricular tachycardia. Last evaluated: 2023-04-03. Review status: criteria provided, single submitter. Criteria: ACMG Guidelines, 2015. Collection method: clinical testing. Allele origin: germline. Inheritance: Autosomal dominant inheritance. Observed: 1 variant allele, 1 heterozygote.
Comment: This missense variant replaces methionine with leucine at codon 964 of the RYR2 protein. Computational prediction suggests that this variant may not impact protein structure and function (internally defined REVEL score threshold <= 0.5, PMID: 27666373). To our knowledge, functional studies have not been reported for this variant. This variant has not been reported in individuals affected with RYR2-related disorders in the literature. This variant has not been identified in the general population by the Genome Aggregation Database (gnomAD). The available evidence is insufficient to determine the role of this variant in disease conclusively. Therefore, this variant is classified as a Variant of Uncertain Significance.

This study involves interpretation of variants in research participants for the purpose of population health screening. Participant phenotype was not available at the time of variant classification. Additional details can be found in publication PMID: 35346344, PMCID: PMC8962531